The following is an entry in ClinVar:

Single allele

Genes: AURKC (aurora kinase C; plus strand), DUXA (double homeobox A; minus strand), USP29 (ubiquitin specific peptidase 29; plus strand), ZIM3 (zinc finger imprinted 3; minus strand), ZNF17 (zinc finger protein 17; plus strand) and 8 more. Cytogenetic location: 19q13.43.
Variant type: Duplication.
Identifiers: ClinVar variation 560105 (VCV000560105.3).

ClinVar aggregate classification (germline): Uncertain significance (1 of 4 stars; one submission).

Submission:

Geisinger Autism and Developmental Medicine Institute, Geisinger Health System
Classification: Uncertain significance. Last evaluated: 2018-03-22. Review status: criteria provided, single submitter. Criteria: ACMG CNV Guidelines, 2011. Collection method: provider interpretation. Allele origin: maternal.
Comment: This duplication includes 13 genes. Of those genes, only STK13 has been associated with a clinical condition. Specifically, STK13 is associated with autosomal recessive spermatogenic failure in males. The relevance of a duplication of this, or any of the other included genes, is unknown. Smaller, overlapping duplications in this region have been reported in DECHIPER in an individual with macrocephaly, hydrocephalus, and intellectual disability (Case 288189), an individual with inappropriate behavior and intellectual disability (Case 288524), and an individual with intellectual disability and psychosis (Case 290429). Smaller, overlapping duplications have also been reported in controls (Cooper et al. 2011).

Literature cited by the submitters: PubMed 21841781.